The following is an entry in ClinVar:

ClinVar aggregate classification (germline): Likely benign. Review status: criteria provided, multiple submitters, no conflicts (2 of 4 stars). 2 submissions from 2 submitters: Likely benign (2). Last evaluated 2025-08-18.

Conditions:
Infantile-onset ascending hereditary spastic paralysis (IAHSP). Also called: Autosomal Recessive Juvenile Amyotrophic Lateral Sclerosis; Infantile-Onset Ascending Hereditary Spastic Paralysis (IAHSP). Identifiers: Orphanet 293168, MedGen C2931441, MONDO:0011797, OMIM 607225. Disease mechanism: loss of function.

gnomAD v4.1: 9 of 1,614,172 alleles (0.00056%); highest among the groups gnomAD compares: Non-Finnish European, 0.00076%; no homozygotes.

Submissions (2):

Labcorp Genetics (formerly Invitae), Labcorp
Classification: Likely benign for Infantile-onset ascending hereditary spastic paralysis. Last evaluated: 2025-08-18. Review status: criteria provided, single submitter. Criteria: Invitae Variant Classification Sherloc (09022015). Collection method: clinical testing. Allele origin: germline.

CeGaT Center for Human Genetics Tuebingen
Classification: Likely benign. Last evaluated: 2024-07-01. Review status: criteria provided, single submitter. Criteria: CeGaT Center For Human Genetics Tuebingen Variant Classification Criteria Version 2. Collection method: clinical testing. Allele origin: germline. Affected: yes. Observed: 1 variant allele.
Comment: ALS2: BP4, BP7

NM_020919.4(ALS2):c.1254G>A (p.Leu418=)

Gene: ALS2 (alsin Rho guanine nucleotide exchange factor ALS2; minus strand). Cytogenetic location: 2q33.1.
Variant type: single nucleotide variant.
Coding change: c.1254G>A on transcript NM_020919.4 (MANE Select); coding-DNA position 1254, G replaced by A.
Protein change: p.Leu418=; no amino-acid change (leucine 418 retained).
Molecular consequence: synonymous variant.
Genome position (GRCh38, 1-based): chr2:201,757,619, C>T on the plus strand (G>A on the coding strand, the complement: ALS2 is on the minus strand). VCF-style: chr2-201757619-C-T. GRCh37 (hg19) VCF-style: chr2-202622342-C-T.
Other names: c.1254G>A, p.Leu418= (NM_001410975.1).
Identifiers: ClinVar variation 2917612 (VCV002917612.20), dbSNP rs1276696721, ClinGen allele CA430668157.